The following is an entry in ClinVar:

NM_177438.3(DICER1):c.2987+5G>C

Gene: DICER1 (dicer 1, ribonuclease III; minus strand). Cytogenetic location: 14q32.13.
Variant type: single nucleotide variant.
Coding change: c.2987+5G>C on transcript NM_177438.3 (MANE Select); 5 bases into the intron after coding-DNA position 2987, G replaced by C.
Molecular consequence: intron variant.
Genome position (GRCh38, 1-based): chr14:95,106,036, C>G on the plus strand (G>C on the coding strand, the complement: DICER1 is on the minus strand). VCF-style: chr14-95106036-C-G. GRCh37 (hg19) VCF-style: chr14-95572373-C-G.
Other names: c.2987+5G>C (NM_001291628.2, NM_030621.4, NM_001271282.3 and 1 more transcripts).
Identifiers: ClinVar variation 845865 (VCV000845865.10), dbSNP rs1262736650, ClinGen allele CA710131819.
Genomic context (GRCh38, chr14:95,106,036, plus strand): 5'-TGTCTAGTGATGTCTGGTAAGAATCCCTCAAGTGCAATCCAAGTGTCATCTCTGAAGCCC[C>G]TTACCTTGAAGATGTGTGGTCCACATCCAGCAGTGGCTGGTTGAGATTGGTTAGGTCAAG-3'

ClinVar aggregate classification (germline): Uncertain significance. Review status: criteria provided, multiple submitters, no conflicts (2 of 4 stars). 2 submissions from 2 submitters: Uncertain significance (2). Last evaluated 2025-12-14.

Conditions:
DICER1-related tumor predisposition. Also called: DICER1 syndrome; DICER1-related pleuropulmonary blastoma cancer predisposition syndrome. Identifiers: Orphanet 284343, MedGen C3839822, MONDO:0100216.
Hereditary cancer-predisposing syndrome. Also called: Neoplastic Syndromes, Hereditary; Hereditary neoplastic syndrome; Tumor predisposition; Hereditary Cancer Syndrome. Identifiers: Orphanet 140162, MedGen C0027672, MeSH D009386, MONDO:0015356.

Allele frequency attached by ClinVar (database versions not stated): TOPMed below 0.00001.

Submissions (2):

Labcorp Genetics (formerly Invitae), Labcorp
Classification: Uncertain significance for DICER1-related tumor predisposition. Last evaluated: 2025-12-14. Review status: criteria provided, single submitter. Criteria: Invitae Variant Classification Sherloc (09022015). Collection method: clinical testing. Allele origin: germline.
Comment: This sequence change falls in intron 18 of the DICER1 gene. It does not directly change the encoded amino acid sequence of the DICER1 protein. It affects a nucleotide within the consensus splice site. This variant is not present in population databases (gnomAD no frequency). This variant has not been reported in the literature in individuals affected with DICER1-related conditions. ClinVar contains an entry for this variant (Variation ID: 845865). Variants that disrupt the consensus splice site are a relatively common cause of aberrant splicing (PMID: 17576681, 9536098). Algorithms developed to predict the effect of sequence changes on RNA splicing suggest that this variant is not likely to affect RNA splicing. In summary, the available evidence is currently insufficient to determine the role of this variant in disease. Therefore, it has been classified as a Variant of Uncertain Significance.

Ambry Genetics
Classification: Uncertain significance for Hereditary cancer-predisposing syndrome. Last evaluated: 2023-12-06. Review status: criteria provided, single submitter. Criteria: Ambry Variant Classification Scheme 2023. Collection method: clinical testing. Allele origin: germline.
Comment: The c.2987+5G>C intronic variant results from a G to C substitution 5 nucleotides after coding exon 17 in the DICER1 gene. This nucleotide position is highly conserved in available vertebrate species. In silico splice site analysis predicts that this alteration will not have any significant effect on splicing. Since supporting evidence is limited at this time, the clinical significance of this alteration remains unclear.

Literature cited by the submitters: PubMed 17576681 (cited by Labcorp Genetics (formerly Invitae), Labcorp); PubMed 9536098 (cited by Labcorp Genetics (formerly Invitae), Labcorp).